The following is an entry in ClinVar:

ClinVar aggregate classification (germline): Uncertain significance. Review status: criteria provided, multiple submitters, no conflicts (2 of 4 stars). 3 submissions from 3 submitters: Uncertain significance (3). Last evaluated 2024-11-24.

Conditions:
Distal myopathy with posterior leg and anterior hand involvement. Also called: WILLIAMS DISTAL MYOPATHY. Identifiers: Orphanet 63273, MedGen C3279722, MONDO:0013550, OMIM 614065.
Myofibrillar myopathy 5. Also called: Filaminopathy (type); FILAMINOPATHY, AUTOSOMAL DOMINANT. Identifiers: Orphanet 171445, MedGen C1836050, MONDO:0012289, OMIM 609524.
Hypertrophic cardiomyopathy 26. Also called: Cardiomyopathy, familial hypertrophic, 26. Identifiers: Orphanet 75249, MedGen C4310749, MONDO:0014883, OMIM 617047.
Cardiovascular phenotype. Identifiers: MedGen CN230736.

Allele frequency attached by ClinVar (database versions not stated): gnomAD exomes below 0.00001.
gnomAD v4.1: 3 of 1,614,094 alleles (0.00019%); highest among the groups gnomAD compares: Non-Finnish European, 0.00025%; no homozygotes.

Submissions (3):

Labcorp Genetics (formerly Invitae), Labcorp
Classification: Uncertain significance for Distal myopathy with posterior leg and anterior hand involvement; Myofibrillar myopathy 5; Hypertrophic cardiomyopathy 26. Last evaluated: 2024-11-24. Review status: criteria provided, single submitter. Criteria: Invitae Variant Classification Sherloc (09022015). Collection method: clinical testing. Allele origin: germline.
Comment: This sequence change replaces glutamic acid, which is acidic and polar, with glycine, which is neutral and non-polar, at codon 1663 of the FLNC protein (p.Glu1663Gly). This variant is not present in population databases (gnomAD no frequency). This variant has not been reported in the literature in individuals affected with FLNC-related conditions. ClinVar contains an entry for this variant (Variation ID: 2944607). Invitae Evidence Modeling of protein sequence and biophysical properties (such as structural, functional, and spatial information, amino acid conservation, physicochemical variation, residue mobility, and thermodynamic stability) has been performed for this missense variant. However, the output from this modeling did not meet the statistical confidence thresholds required to predict the impact of this variant on FLNC protein function. In summary, the available evidence is currently insufficient to determine the role of this variant in disease. Therefore, it has been classified as a Variant of Uncertain Significance.

Blueprint Genetics
Classification: Uncertain significance. Last evaluated: 2024-11-19. Review status: criteria provided, single submitter. Criteria: ACMG Guidelines, 2015. Collection method: clinical testing. Allele origin: germline.

Ambry Genetics
Classification: Uncertain significance for Cardiovascular phenotype. Last evaluated: 2023-11-23. Review status: criteria provided, single submitter. Criteria: Ambry Variant Classification Scheme 2023. Collection method: clinical testing. Allele origin: germline.
Comment: The p.E1663G variant (also known as c.4988A>G), located in coding exon 30 of the FLNC gene, results from an A to G substitution at nucleotide position 4988. The glutamic acid at codon 1663 is replaced by glycine, an amino acid with similar properties. This amino acid position is conserved. In addition, the in silico prediction for this alteration is inconclusive. Since supporting evidence is limited at this time, the clinical significance of this alteration remains unclear.

NM_001458.5(FLNC):c.4988A>G (p.Glu1663Gly)

Gene: FLNC (filamin C; plus strand). Cytogenetic location: 7q32.1.
Variant type: single nucleotide variant.
Coding change: c.4988A>G on transcript NM_001458.5 (MANE Select); coding-DNA position 4988, A replaced by G.
Protein change: p.Glu1663Gly; replaces glutamic acid 1663 with glycine.
Molecular consequence: missense variant.
Genome position (GRCh38, 1-based): chr7:128,849,367, A>G. VCF-style: chr7-128849367-A-G. GRCh37 (hg19) VCF-style: chr7-128489421-A-G.
Other names: c.4988A>G, p.Glu1663Gly (NM_001127487.2); short protein forms E1663G.
Identifiers: ClinVar variation 2944607 (VCV002944607.5), dbSNP rs2536650296, ClinGen allele CA369203939.